The following is an entry in ClinVar:

ClinVar aggregate classification (germline): Likely pathogenic (1 of 4 stars; one submission).

Conditions:
NPHP3-related disorder. Also called: NPHP3-related condition; NPHP3-related disorders. Identifiers: MedGen CN379163.

Submission:

Rady Children's Institute for Genomic Medicine, Rady Children's Hospital San Diego
Classification: Likely pathogenic for NPHP3-related disorders. Review status: criteria provided, single submitter. Criteria: ACMG Guidelines, 2015. Collection method: clinical testing. Allele origin: germline. Affected: yes.
Comment: This frameshifting variant in exon 19 of 27 introduces a premature stop codon and is therefore predicted to result in loss of normal protein function through either protein truncation or nonsense-mediated mRNA decay (NMD). This variant has not been previously reported or functionally characterized in the literature to our knowledge. Loss-of-function variation in NPHP3 is an established mechanism of disease (PMID: 21866095). The c.2647del (p.His883MetfsTer23) variant is absent from the gnomAD population database and thus is presumed to be rare. Based on the available evidence, the c.2647del (p.His883MetfsTer23) variant is classified as Likely Pathogenic.

NM_153240.5(NPHP3):c.2647del (p.His883fs)

Genes: NPHP3 (nephrocystin 3; minus strand), NPHP3-ACAD11 (NPHP3-ACAD11 readthrough (NMD candidate); minus strand). Cytogenetic location: 3q22.1.
Variant type: Deletion.
Coding change: c.2647del on transcript NM_153240.5 (MANE Select); coding-DNA position 2647, one base deleted (C; older notation c.2647delC).
Protein change: p.His883fs; shifts the reading frame from histidine 883.
Molecular consequence: frameshift variant. On other transcripts: non-coding transcript variant (1).
Genome position (GRCh38, 1-based): chr3:132,690,574, G deleted on the plus strand (C on the coding strand, the reverse complement: NPHP3 is on the minus strand). VCF-style (leftmost placement, unchanged base first): chr3-132690573-TG-T. GRCh37 (hg19) VCF-style: chr3-132409417-TG-T.
Other names: short protein forms H883fs.
Identifiers: ClinVar variation 2584475 (VCV002584475.1), dbSNP rs2530401396, ClinGen allele CA2582342643.